The following is an entry in ClinVar:

NM_004990.4(MARS1):c.1186del (p.Leu396fs)

Gene: MARS1 (methionyl-tRNA synthetase 1; plus strand). Cytogenetic location: 12q13.3.
Variant type: Deletion.
Coding change: c.1186del on transcript NM_004990.4 (MANE Select); coding-DNA position 1186, one base deleted (C; older notation c.1186delC).
Protein change: p.Leu396fs; shifts the reading frame from leucine 396.
Molecular consequence: frameshift variant.
Genome position (GRCh38, 1-based): chr12:57,500,415, C deleted; the last of 2 consecutive C bases (chr12:57,500,414-57,500,415); deleting either gives the same sequence. VCF-style (leftmost placement, unchanged base first): chr12-57500413-TC-T. GRCh37 (hg19) VCF-style: chr12-57894196-TC-T.
Other names: short protein forms L396fs.
Identifiers: ClinVar variation 4787210 (VCV004787210.1).
Genomic context (GRCh38, chr12:57,500,413, plus strand): 5'-AACGAGGTTTTGTGCTGCAAGATACTGTGGAGCAACTGCGATGTGAGCACTGTGCTCGCT[TC>T]CTGGCTGACCGCTTCGTGGAGGGCGTGTGTCCCTTCTGTGGCTATGAGGAGGCTCGGGGT-3'

ClinVar aggregate classification (germline): Uncertain significance (1 of 4 stars; one submission).

Conditions:
Severe early-onset pulmonary alveolar proteinosis due to MARS deficiency. Also called: PULMONARY ALVEOLAR PROTEINOSIS, REUNION ISLAND; Interstitial lung and liver disease. Identifiers: Orphanet 440427, MedGen C4225400, MONDO:0014206, OMIM 615486.
Charcot-Marie-Tooth disease axonal type 2U. Also called: CHARCOT-MARIE-TOOTH NEUROPATHY, TYPE 2U; CHARCOT-MARIE-TOOTH DISEASE, AXONAL, AUTOSOMAL DOMINANT, TYPE 2U. Identifiers: Orphanet 397735, MedGen C4084821, MONDO:0014566, OMIM 616280.

Submission:

Labcorp Genetics (formerly Invitae), Labcorp
Classification: Uncertain significance for Charcot-Marie-Tooth disease axonal type 2U; Severe early-onset pulmonary alveolar proteinosis due to MARS deficiency. Last evaluated: 2026-01-07. Review status: criteria provided, single submitter. Criteria: Invitae Variant Classification Sherloc (09022015). Collection method: clinical testing. Allele origin: germline.
Comment: This sequence change creates a premature translational stop signal (p.Leu396Trpfs*100) in the MARS gene. It is expected to result in an absent or disrupted protein product. However, the current clinical and genetic evidence is not sufficient to establish whether loss-of-function variants in MARS cause disease. This variant is not present in population databases (gnomAD no frequency). This variant has not been reported in the literature in individuals affected with MARS-related conditions. In summary, the available evidence is currently insufficient to determine the role of this variant in disease. Therefore, it has been classified as a Variant of Uncertain Significance.